The following is an entry in ClinVar:

NM_001267550.2(TTN):c.3394dup (p.Tyr1132fs)

Gene: TTN (titin; minus strand). Cytogenetic location: 2q31.2.
Variant type: Duplication.
Coding change: c.3394dup on transcript NM_001267550.2 (MANE Select); coding-DNA position 3394, one base duplicated (T; older notation c.3394dupT).
Protein change: p.Tyr1132fs; shifts the reading frame from tyrosine 1132.
Molecular consequence: frameshift variant.
Genome position (GRCh38, 1-based): chr2:178,781,250, A duplicated on the plus strand (T on the coding strand, the reverse complement: TTN is on the minus strand); the first of 2 consecutive A bases (chr2:178,781,250-178,781,251); duplicating either gives the same sequence. VCF-style (leftmost placement, unchanged base first): chr2-178781249-T-TA. GRCh37 (hg19) VCF-style: chr2-179645976-T-TA.
Other names: c.3394dup, p.Tyr1132fs (NM_001256850.1, NM_133378.4, NM_133379.5); c.3256dup, p.Tyr1086fs (NM_003319.4, NM_133432.3, NM_133437.4); short protein forms Y1086fs, Y1132fs.
Identifiers: ClinVar variation 3756883 (VCV003756883.2).

ClinVar aggregate classification (germline): Likely pathogenic (1 of 4 stars; one submission).

Conditions:
Dilated cardiomyopathy 1G (CMD1G). Identifiers: Orphanet 154, MedGen C1858763, MONDO:0011400, OMIM 604145.
Autosomal recessive limb-girdle muscular dystrophy type 2J (LGMDR10). Also called: Limb-girdle muscular dystrophy, type 2J; MUSCULAR DYSTROPHY, LIMB-GIRDLE, AUTOSOMAL RECESSIVE 10. Identifiers: Orphanet 140922, MedGen C1837342, MONDO:0012127, OMIM 608807.

Submission:

Labcorp Genetics (formerly Invitae), Labcorp
Classification: Likely pathogenic for Dilated cardiomyopathy 1G; Autosomal recessive limb-girdle muscular dystrophy type 2J. Last evaluated: 2024-10-06. Review status: criteria provided, single submitter. Criteria: Invitae Variant Classification Sherloc (09022015). Collection method: clinical testing. Allele origin: germline.
Comment: This sequence change creates a premature translational stop signal (p.Tyr1132Leufs*7) in the TTN gene. While this is not anticipated to result in nonsense mediated decay, it is expected to create a truncated TTN protein. This variant is not present in population databases (gnomAD no frequency). This variant has not been reported in the literature in individuals affected with TTN-related conditions. This variant is located in the Z band of TTN (PMID: 25589632). Truncating variants in this region have been reported in individuals affected with autosomal recessive centronuclear myopathy (PMID: 33449170, internal data). Truncating variants in this region have also been identified in individuals affected with autosomal dominant dilated cardiomyopathy and/or cardio-related conditions (PMID: 27869827, 32964742, internal data). In summary, the currently available evidence indicates that the variant is pathogenic, but additional data are needed to prove that conclusively. Therefore, this variant has been classified as Likely Pathogenic.

Literature cited by the submitters: PubMed 25589632; PubMed 33449170; PubMed 27869827; PubMed 32964742.